The following is an entry in ClinVar:

NM_005245.4(FAT1):c.13265C>T (p.Thr4422Met)

Genes: FAT1 (FAT atypical cadherin 1; minus strand), LOC126807253 (BRD4-independent group 4 enhancer GRCh37_chr4:187509297-187510496; plus strand). Cytogenetic location: 4q35.2.
Variant type: single nucleotide variant.
Coding change: c.13265C>T on transcript NM_005245.4 (MANE Select); coding-DNA position 13265, C replaced by T.
Protein change: p.Thr4422Met; replaces threonine 4422 with methionine.
Molecular consequence: missense variant.
Genome position (GRCh38, 1-based): chr4:186,589,094, G>A on the plus strand (C>T on the coding strand, the complement: FAT1 is on the minus strand). VCF-style: chr4-186589094-G-A. GRCh37 (hg19) VCF-style: chr4-187510248-G-A.
Other names: short protein forms T4422M.
Identifiers: ClinVar variation 2203600 (VCV002203600.4), dbSNP rs1409256573, ClinGen allele CA358962613.

ClinVar aggregate classification (germline): Uncertain significance (1 of 4 stars; one submission).

gnomAD v4.1: 13 of 1,613,954 alleles (0.00081%); highest among the groups gnomAD compares: Admixed American, 0.0017%; no homozygotes.

Submission:

Labcorp Genetics (formerly Invitae), Labcorp
Classification: Uncertain significance. Last evaluated: 2024-01-04. Review status: criteria provided, single submitter. Criteria: Invitae Variant Classification Sherloc (09022015). Collection method: clinical testing. Allele origin: germline.
Comment: This sequence change replaces threonine, which is neutral and polar, with methionine, which is neutral and non-polar, at codon 4422 of the FAT1 protein (p.Thr4422Met). This variant is present in population databases (no rsID available, gnomAD 0.004%). This missense change has been observed in individual(s) with clinical features of spinocerebellar ataxia (PMID: 29053796). ClinVar contains an entry for this variant (Variation ID: 2203600). An algorithm developed to predict the effect of missense changes on protein structure and function (PolyPhen-2) suggests that this variant is likely to be tolerated. Experimental studies have shown that this missense change does not substantially affect FAT1 function (PMID: 9053796). In summary, the available evidence is currently insufficient to determine the role of this variant in disease. Therefore, it has been classified as a Variant of Uncertain Significance.

Literature cited by the submitters: PubMed 29053796; PubMed 9053796.